The following is an entry in ClinVar:

ClinVar aggregate classification (germline): Likely benign (0 of 4 stars; one submission).

Conditions:
EBF3-related disorder. Identifiers: MedGen CN239924.

Allele frequency attached by ClinVar (database versions not stated): gnomAD exomes 0.00001; ExAC 0.00003; gnomAD 0.00007; ESP Exome Variant Server 0.00008.
gnomAD v4.1: 23 of 1,597,892 alleles (0.0014%); highest among the groups gnomAD compares: African/African-American, 0.024%; no homozygotes.

Submission:

PreventionGenetics, part of Exact Sciences
Classification: Likely benign for EBF3-related condition. Last evaluated: 2022-11-03. Review status: no assertion criteria provided. Collection method: clinical testing. Allele origin: germline.
Comment: This variant is classified as likely benign based on ACMG/AMP sequence variant interpretation guidelines (Richards et al. 2015 PMID: 25741868, with internal and published modifications).

NM_001375380.1(EBF3):c.412-7C>T

Gene: EBF3 (EBF transcription factor 3; minus strand). Cytogenetic location: 10q26.3.
Variant type: single nucleotide variant.
Coding change: c.412-7C>T on transcript NM_001375380.1 (MANE Select); 7 bases into the intron before coding-DNA position 412, C replaced by T.
Molecular consequence: intron variant.
Genome position (GRCh38, 1-based): chr10:129,959,014, G>A on the plus strand (C>T on the coding strand, the complement: EBF3 is on the minus strand). VCF-style: chr10-129959014-G-A. GRCh37 (hg19) VCF-style: chr10-131757278-G-A.
Other names: c.412-7C>T (NM_001375392.1, NM_001005463.3, NM_001375390.1 and 3 more transcripts).
Identifiers: ClinVar variation 3061461 (VCV003061461.2), dbSNP rs368585485, ClinGen allele CA5748739.